The following is an entry in ClinVar:

NM_033641.4(COL4A6):c.284C>T (p.Pro95Leu)

Gene: COL4A6 (collagen type IV alpha 6 chain; minus strand). Cytogenetic location: Xq22.3.
Variant type: single nucleotide variant.
Coding change: c.284C>T on transcript NM_033641.4 (MANE Select); coding-DNA position 284, C replaced by T.
Protein change: p.Pro95Leu; replaces proline 95 with leucine.
Molecular consequence: missense variant.
Genome position (GRCh38, 1-based): chrX:108,219,738, G>A on the plus strand (C>T on the coding strand, the complement: COL4A6 is on the minus strand). VCF-style: chrX-108219738-G-A. GRCh37 (hg19) VCF-style: chrX-107462968-G-A.
Other names: c.284C>T, p.Pro95Leu (NM_001287758.2, NM_001287759.2, NM_001287760.2 and 1 more transcripts); c.287C>T, p.Pro96Leu (NM_001440759.1, NM_001847.4); short protein forms P95L, P96L.
Identifiers: ClinVar variation 4803648 (VCV004803648.1).
Genomic context (GRCh38, chrX:108,219,738, plus strand): 5'-TCATCTGTGGACACACTCACCGGAATCCCATTGATGCCAAGAAAGCCAGGAACTCCCATG[G>A]GACCCTAAAAAAAGGAGTAGGGAGAGGAATGTAAGACACAATCCAACTGATGTTTGTTAG-3'
Protein context (NP_378667.1, residues 85-105): GPYGPKGDKG[Pro95Leu]MGVPGFLGIN

ClinVar aggregate classification (germline): Uncertain significance (1 of 4 stars; one submission).

Submission:

Labcorp Genetics (formerly Invitae), Labcorp
Classification: Uncertain significance. Last evaluated: 2025-10-26. Review status: criteria provided, single submitter. Criteria: Invitae Variant Classification Sherloc (09022015). Collection method: clinical testing. Allele origin: germline.
Comment: This sequence change replaces proline, which is neutral and non-polar, with leucine, which is neutral and non-polar, at codon 96 of the COL4A6 protein (p.Pro96Leu). This variant is present in population databases (rs765727322, gnomAD 0.004%). This variant has not been reported in the literature in individuals affected with COL4A6-related conditions. Invitae Evidence Modeling of protein sequence and biophysical properties (such as structural, functional, and spatial information, amino acid conservation, physicochemical variation, residue mobility, and thermodynamic stability) indicates that this missense variant is not expected to disrupt COL4A6 protein function with a negative predictive value of 80%. In summary, the available evidence is currently insufficient to determine the role of this variant in disease. Therefore, it has been classified as a Variant of Uncertain Significance.